The following is an entry in ClinVar:

NM_172364.5(CACNA2D4):c.3148C>T (p.Leu1050Phe)

Gene: CACNA2D4 (calcium voltage-gated channel auxiliary subunit alpha2delta 4; minus strand). Cytogenetic location: 12p13.33.
Variant type: single nucleotide variant.
Coding change: c.3148C>T on transcript NM_172364.5 (MANE Select); coding-DNA position 3148, C replaced by T.
Protein change: p.Leu1050Phe; replaces leucine 1050 with phenylalanine.
Molecular consequence: missense variant.
Genome position (GRCh38, 1-based): chr12:1,795,746, G>A on the plus strand (C>T on the coding strand, the complement: CACNA2D4 is on the minus strand). VCF-style: chr12-1795746-G-A. GRCh37 (hg19) VCF-style: chr12-1904912-G-A.
Other names: c.3148C>T (NM_172364.4); short protein forms L1050F.
Identifiers: ClinVar variation 1040435 (VCV001040435.9), dbSNP rs372492562, ClinGen allele CA231519063.

ClinVar aggregate classification (germline): Uncertain significance. Review status: criteria provided, multiple submitters, no conflicts (2 of 4 stars). 2 submissions from 2 submitters: Uncertain significance (2). Last evaluated 2022-07-19.

Conditions:
Inborn genetic diseases. Identifiers: MedGen C0950123, MeSH D030342.

Allele frequency attached by ClinVar (database versions not stated): gnomAD exomes below 0.00001 and 0.00001; TOPMed 0.00002; ESP Exome Variant Server 0.00008.
gnomAD v4.1: 6 of 1,613,442 alleles (0.00037%); highest among the groups gnomAD compares: East Asian, 0.0022%; no homozygotes.

Submissions (2):

Ambry Genetics
Classification: Uncertain significance for Inborn genetic diseases. Last evaluated: 2022-07-19. Review status: criteria provided, single submitter. Criteria: Ambry Variant Classification Scheme 2023. Collection method: clinical testing. Allele origin: germline.

Labcorp Genetics (formerly Invitae), Labcorp
Classification: Uncertain significance. Last evaluated: 2020-10-06. Review status: criteria provided, single submitter. Criteria: Invitae Variant Classification Sherloc (09022015). Collection method: clinical testing. Allele origin: germline.
Comment: In summary, the available evidence is currently insufficient to determine the role of this variant in disease. Therefore, it has been classified as a Variant of Uncertain Significance. Algorithms developed to predict the effect of missense changes on protein structure and function are either unavailable or do not agree on the potential impact of this missense change (SIFT: "Deleterious"; PolyPhen-2: "Probably Damaging"; Align-GVGD: "Class C0"). This variant has not been reported in the literature in individuals with CACNA2D4-related conditions. This variant is not present in population databases (ExAC no frequency). This sequence change replaces leucine with phenylalanine at codon 1050 of the CACNA2D4 protein (p.Leu1050Phe). The leucine residue is moderately conserved and there is a small physicochemical difference between leucine and phenylalanine.